The following is an entry in ClinVar:

ClinVar aggregate classification (germline): Uncertain significance (1 of 4 stars; one submission).

Allele frequency attached by ClinVar (database versions not stated): gnomAD 0.00002; TOPMed 0.00002.
gnomAD v4.1: 10 of 1,549,284 alleles (0.00065%); highest among the groups gnomAD compares: Middle Eastern, 0.035%; no homozygotes.

Submission:

Labcorp Genetics (formerly Invitae), Labcorp
Classification: Uncertain significance. Last evaluated: 2024-03-05. Review status: criteria provided, single submitter. Criteria: Invitae Variant Classification Sherloc (09022015). Collection method: clinical testing. Allele origin: germline.
Comment: This sequence change replaces arginine, which is basic and polar, with cysteine, which is neutral and slightly polar, at codon 245 of the TRAF3IP1 protein (p.Arg245Cys). This variant is present in population databases (rs575734415, gnomAD 0.005%). This variant has not been reported in the literature in individuals affected with TRAF3IP1-related conditions. ClinVar contains an entry for this variant (Variation ID: 1001794). Advanced modeling of protein sequence and biophysical properties (such as structural, functional, and spatial information, amino acid conservation, physicochemical variation, residue mobility, and thermodynamic stability) performed at Invitae indicates that this missense variant is not expected to disrupt TRAF3IP1 protein function with a negative predictive value of 80%. In summary, the available evidence is currently insufficient to determine the role of this variant in disease. Therefore, it has been classified as a Variant of Uncertain Significance.

NM_015650.4(TRAF3IP1):c.733C>T (p.Arg245Cys)

Gene: TRAF3IP1 (TRAF3 interacting protein 1; plus strand). Cytogenetic location: 2q37.3.
Variant type: single nucleotide variant.
Coding change: c.733C>T on transcript NM_015650.4 (MANE Select); coding-DNA position 733, C replaced by T.
Protein change: p.Arg245Cys; replaces arginine 245 with cysteine.
Molecular consequence: missense variant.
Genome position (GRCh38, 1-based): chr2:238,329,160, C>T. VCF-style: chr2-238329160-C-T. GRCh37 (hg19) VCF-style: chr2-239237801-C-T.
Other names: c.733C>T, p.Arg245Cys (NM_001139490.1); short protein forms R245C.
Identifiers: ClinVar variation 1001794 (VCV001001794.6), dbSNP rs575734415, ClinGen allele CA2198124.